The following is an entry in ClinVar:

ClinVar aggregate classification (germline): Uncertain significance (1 of 4 stars; one submission).

Conditions:
Hereditary cancer-predisposing syndrome. Also called: Hereditary Cancer Syndrome; Hereditary neoplastic syndrome; Neoplastic Syndromes, Hereditary; Tumor predisposition. Identifiers: Orphanet 140162, MedGen C0027672, MeSH D009386, MONDO:0015356.

Submission:

Ambry Genetics
Classification: Uncertain significance for Hereditary cancer-predisposing syndrome. Last evaluated: 2020-03-12. Review status: criteria provided, single submitter. Criteria: Ambry Variant Classification Scheme 2023. Collection method: clinical testing. Allele origin: germline.
Comment: The p.N199K variant (also known as c.597C>A), located in coding exon 3 of the RET gene, results from a C to A substitution at nucleotide position 597. The asparagine at codon 199 is replaced by lysine, an amino acid with similar properties. This amino acid position is highly conserved in available vertebrate species. In addition, this alteration is predicted to be tolerated by in silico analysis. Since supporting evidence is limited at this time, the clinical significance of this alteration remains unclear.

NM_020975.6(RET):c.597C>A (p.Asn199Lys)

Gene: RET (ret proto-oncogene; plus strand). Cytogenetic location: 10q11.21.
Variant type: single nucleotide variant.
Coding change: c.597C>A on transcript NM_020975.6 (MANE Select); coding-DNA position 597, C replaced by A.
Protein change: p.Asn199Lys; replaces asparagine 199 with lysine.
Molecular consequence: missense variant.
Genome position (GRCh38, 1-based): chr10:43,102,601, C>A. VCF-style: chr10-43102601-C-A. GRCh37 (hg19) VCF-style: chr10-43598049-C-A.
Other names: c.597C>A, p.Asn199Lys (NM_000323.2, NM_001406743.1, NM_001406744.1 and 16 more transcripts); c.468C>A, p.Asn156Lys (NM_001406761.1, NM_001406762.1, NM_001406764.1 and 4 more transcripts); short protein forms N156K, N199K.
Identifiers: ClinVar variation 1750814 (VCV001750814.2), dbSNP rs55810667, ClinGen allele CA376543617.